The following is an entry in ClinVar:

ClinVar aggregate classification (germline): Uncertain significance (1 of 4 stars; one submission).

Conditions:
Early Myoclonic Encephalopathy. Identifiers: MedGen C0270855.

Allele frequency attached by ClinVar (database versions not stated): ExAC 0.00001; TOPMed 0.00007; gnomAD 0.00005; gnomAD exomes 0.00006.
gnomAD v4.1: 35 of 1,613,672 alleles (0.0022%); highest among the groups gnomAD compares: Admixed American, 0.043%; no homozygotes.

Submission:

Labcorp Genetics (formerly Invitae), Labcorp
Classification: Uncertain significance for Early Myoclonic Encephalopathy. Last evaluated: 2025-10-10. Review status: criteria provided, single submitter. Criteria: Invitae Variant Classification Sherloc (09022015). Collection method: clinical testing. Allele origin: germline.
Comment: This sequence change replaces glutamine, which is neutral and polar, with arginine, which is basic and polar, at codon 457 of the JMJD1C protein (p.Gln457Arg). This variant is present in population databases (rs751789655, gnomAD 0.04%). This variant has not been reported in the literature in individuals affected with JMJD1C-related conditions. ClinVar contains an entry for this variant (Variation ID: 845645). An algorithm developed to predict the effect of missense changes on protein structure and function (PolyPhen-2) suggests that this variant is likely to be tolerated. In summary, the available evidence is currently insufficient to determine the role of this variant in disease. Therefore, it has been classified as a Variant of Uncertain Significance.

NM_032776.3(JMJD1C):c.1370A>G (p.Gln457Arg)

Gene: JMJD1C (jumonji domain containing 1C; minus strand). Cytogenetic location: 10q21.3.
Variant type: single nucleotide variant.
Coding change: c.1370A>G on transcript NM_032776.3 (MANE Select); coding-DNA position 1370, A replaced by G.
Protein change: p.Gln457Arg; replaces glutamine 457 with arginine.
Molecular consequence: missense variant. On other transcripts: non-coding transcript variant (1).
Genome position (GRCh38, 1-based): chr10:63,214,797, T>C on the plus strand (A>G on the coding strand, the complement: JMJD1C is on the minus strand). VCF-style: chr10-63214797-T-C. GRCh37 (hg19) VCF-style: chr10-64974557-T-C.
Other names: c.824A>G, p.Gln275Arg (NM_001282948.2, NM_001318154.2); c.506A>G, p.Gln169Arg (NM_001318153.2); c.1256A>G, p.Gln419Arg (NM_001322252.2); c.713A>G, p.Gln238Arg (NM_001322254.2, NM_001322258.2); short protein forms Q169R, Q238R, Q457R, Q419R, Q275R.
Identifiers: ClinVar variation 845645 (VCV000845645.9), dbSNP rs751789655, ClinGen allele CA5518817.